The following is an entry in ClinVar:

NM_000440.3(PDE6A):c.1538del (p.Leu513fs)

Gene: PDE6A (phosphodiesterase 6A; minus strand). Cytogenetic location: 5q32.
Variant type: Deletion.
Coding change: c.1538del on transcript NM_000440.3 (MANE Select); coding-DNA position 1538, one base deleted (T; older notation c.1538delT).
Protein change: p.Leu513fs; shifts the reading frame from leucine 513.
Molecular consequence: frameshift variant.
Genome position (GRCh38, 1-based): chr5:149,896,438, A deleted on the plus strand (T on the coding strand, the reverse complement: PDE6A is on the minus strand). VCF-style (leftmost placement, unchanged base first): chr5-149896437-TA-T. GRCh37 (hg19) VCF-style: chr5-149276000-TA-T.
Other names: c.1295delT, p.Leu432Glnfs (NM_001410788.1); short protein forms L513fs.
Identifiers: ClinVar variation 2022827 (VCV002022827.4), dbSNP rs2480565076, ClinGen allele CA2580073852.

ClinVar aggregate classification (germline): Pathogenic (1 of 4 stars; one submission).

Submission:

Labcorp Genetics (formerly Invitae), Labcorp
Classification: Pathogenic. Last evaluated: 2023-05-15. Review status: criteria provided, single submitter. Criteria: Invitae Variant Classification Sherloc (09022015). Collection method: clinical testing. Allele origin: germline.
Comment: For these reasons, this variant has been classified as Pathogenic. ClinVar contains an entry for this variant (Variation ID: 2022827). This variant has not been reported in the literature in individuals affected with PDE6A-related conditions. This variant is not present in population databases (gnomAD no frequency). This sequence change creates a premature translational stop signal (p.Leu513Glnfs*7) in the PDE6A gene. It is expected to result in an absent or disrupted protein product. Loss-of-function variants in PDE6A are known to be pathogenic (PMID: 7493036, 22128245, 23847139).

Literature cited by the submitters: PubMed 7493036; PubMed 22128245; PubMed 23847139.